The following is an entry in ClinVar:

NM_015047.3(EMC1):c.2641C>T (p.Arg881Cys)

Genes: EMC1 (ER membrane protein complex subunit 1; minus strand), EMC1-AS1 (EMC1 antisense RNA 1; plus strand). Cytogenetic location: 1p36.13.
Variant type: single nucleotide variant.
Coding change: c.2641C>T on transcript NM_015047.3 (MANE Select); coding-DNA position 2641, C replaced by T.
Protein change: p.Arg881Cys; replaces arginine 881 with cysteine.
Molecular consequence: missense variant.
Genome position (GRCh38, 1-based): chr1:19,220,795, G>A on the plus strand (C>T on the coding strand, the complement: EMC1 is on the minus strand). VCF-style: chr1-19220795-G-A. GRCh37 (hg19) VCF-style: chr1-19547289-G-A.
Other names: c.2638C>T, p.Arg880Cys (NM_001271427.2, NM_001271428.2); c.2575C>T, p.Arg859Cys (NM_001271429.2); c.2650C>T, p.Arg884Cys (NM_001375820.1); c.2647C>T, p.Arg883Cys (NM_001375821.1); short protein forms R859C, R881C, R883C, R880C, R884C.
Identifiers: ClinVar variation 957258 (VCV000957258.7), dbSNP rs375114221, ClinGen allele CA652203.
Genomic context (GRCh38, chr1:19,220,795, plus strand): 5'-GCCTTCAGCACTGCCCATGAGGGTCTCACCTGCTTTGTTCTGTTGGGATCTCGGGGCGGC[G>A]GGGATCCAGCAAAGCCTTAGGAAGGGAAAGAATTGCTCCAGAAGGTAGTCCAACTACACA-3'
Protein context (NP_055862.1, residues 871-891): LSLPKALLDP[Arg881Cys]RPEIPTEQSR

ClinVar aggregate classification (germline): Uncertain significance (1 of 4 stars; one submission).

Allele frequency attached by ClinVar (database versions not stated): ExAC 0.00002; gnomAD exomes 0.00002 and 0.00004; gnomAD 0.00005 and 0.00007; TOPMed 0.00007; ESP Exome Variant Server 0.00015.
gnomAD v4.1: 69 of 1,613,062 alleles (0.0043%); highest among the groups gnomAD compares: Non-Finnish European, 0.005%; no homozygotes.

Submission:

Labcorp Genetics (formerly Invitae), Labcorp
Classification: Uncertain significance. Last evaluated: 2025-05-08. Review status: criteria provided, single submitter. Criteria: Invitae Variant Classification Sherloc (09022015). Collection method: clinical testing. Allele origin: germline.
Comment: This sequence change replaces arginine, which is basic and polar, with cysteine, which is neutral and slightly polar, at codon 881 of the EMC1 protein (p.Arg881Cys). This variant is present in population databases (rs375114221, gnomAD 0.006%). This variant has not been reported in the literature in individuals affected with EMC1-related conditions. ClinVar contains an entry for this variant (Variation ID: 957258). Invitae Evidence Modeling of protein sequence and biophysical properties (such as structural, functional, and spatial information, amino acid conservation, physicochemical variation, residue mobility, and thermodynamic stability) indicates that this missense variant is expected to disrupt EMC1 protein function with a positive predictive value of 80%. In summary, the available evidence is currently insufficient to determine the role of this variant in disease. Therefore, it has been classified as a Variant of Uncertain Significance.